The following is an entry in ClinVar:

NM_178857.6(RP1L1):c.204C>G (p.Leu68=)

Gene: RP1L1 (RP1 like 1). Cytogenetic location: 8p23.1.
Variant type: single nucleotide variant.
Coding change: c.204C>G on transcript NM_178857.6 (MANE Select); coding-DNA position 204, C replaced by G.
Protein change: p.Leu68=; no amino-acid change (leucine 68 retained).
Molecular consequence: synonymous variant.
Genome position (GRCh38, 1-based): chr8:10,622,998, G>C on the plus strand (C>G on the coding strand, the complement: RP1L1 is on the minus strand). VCF-style: chr8-10622998-G-C. GRCh37 (hg19) VCF-style: chr8-10480508-G-C.
Other names: c.204C>G (NM_178857.5).
Identifiers: ClinVar variation 1624393 (VCV001624393.17), dbSNP rs749247094, ClinGen allele CA4625822.

ClinVar aggregate classification (germline): Likely benign. Review status: criteria provided, multiple submitters, no conflicts (2 of 4 stars). 4 submissions from 4 submitters: Likely benign (4). Last evaluated 2026-04-24.

Conditions:
RP1L1-related disorder. Also called: RP1L1-related condition.

Allele frequency attached by ClinVar (database versions not stated): ExAC 0.00001; gnomAD 0.00001; gnomAD exomes 0.00002 and 0.00003.
gnomAD v4.1: 40 of 1,614,068 alleles (0.0025%); highest among the groups gnomAD compares: Middle Eastern, 0.033%; no homozygotes.

Submissions (4):

PreventionGenetics, part of Exact Sciences
Classification: Likely benign for RP1L1-related condition. Last evaluated: 2026-04-24. Review status: criteria provided, single submitter. Criteria: ACMG Guidelines, 2015. Collection method: clinical testing. Allele origin: germline.
Comment: This variant is classified as likely benign based on ACMG/AMP sequence variant interpretation guidelines (Richards et al. 2015 PMID: 25741868, with internal and published modifications).

Labcorp Genetics (formerly Invitae), Labcorp
Classification: Likely benign. Last evaluated: 2025-07-16. Review status: criteria provided, single submitter. Criteria: Invitae Variant Classification Sherloc (09022015). Collection method: clinical testing. Allele origin: germline.

CeGaT Center for Human Genetics Tuebingen
Classification: Likely benign. Last evaluated: 2025-03-01. Review status: criteria provided, single submitter. Criteria: CeGaT Center For Human Genetics Tuebingen Variant Classification Criteria Version 2. Collection method: clinical testing. Allele origin: germline. Affected: yes. Observed: 1 variant allele.
Comment: RP1L1: BP4, BP7

Blueprint Genetics
Classification: Likely benign. Last evaluated: 2023-10-02. Review status: criteria provided, single submitter. Criteria: ACMG Guidelines, 2015. Collection method: clinical testing. Allele origin: germline.